The following is an entry in ClinVar:

NM_001206927.2(DNAH8):c.6788T>C (p.Ile2263Thr)

Gene: DNAH8 (dynein axonemal heavy chain 8; plus strand). Cytogenetic location: 6p21.2.
Variant type: single nucleotide variant.
Coding change: c.6788T>C on transcript NM_001206927.2 (MANE Select); coding-DNA position 6788, T replaced by C.
Protein change: p.Ile2263Thr; replaces isoleucine 2263 with threonine.
Molecular consequence: missense variant.
Genome position (GRCh38, 1-based): chr6:38,868,156, T>C. VCF-style: chr6-38868156-T-C. GRCh37 (hg19) VCF-style: chr6-38835932-T-C.
Other names: c.6137T>C, p.Ile2046Thr (NM_001371.4); short protein forms I2263T, I2046T.
Identifiers: ClinVar variation 642404 (VCV000642404.6), dbSNP rs773895088, ClinGen allele CA3789757.

ClinVar aggregate classification (germline): Uncertain significance (1 of 4 stars; one submission).

Conditions:
Primary ciliary dyskinesia. Also called: Ciliary dyskinesia. Identifiers: Orphanet 244, MedGen C0008780, MONDO:0016575, HP:0012265.

Allele frequency attached by ClinVar (database versions not stated): ExAC 0.00002; gnomAD 0.00003 and 0.00004; TOPMed 0.00004; gnomAD exomes 0.00007.
gnomAD v4.1: 109 of 1,613,800 alleles (0.0068%); highest among the groups gnomAD compares: Admixed American, 0.038%; no homozygotes.

Submission:

Labcorp Genetics (formerly Invitae), Labcorp
Classification: Uncertain significance for Primary ciliary dyskinesia. Last evaluated: 2022-08-09. Review status: criteria provided, single submitter. Criteria: Invitae Variant Classification Sherloc (09022015). Collection method: clinical testing. Allele origin: germline.
Comment: This sequence change replaces isoleucine, which is neutral and non-polar, with threonine, which is neutral and polar, at codon 2263 of the DNAH8 protein (p.Ile2263Thr). This variant is present in population databases (rs773895088, gnomAD 0.04%). This variant has not been reported in the literature in individuals affected with DNAH8-related conditions. ClinVar contains an entry for this variant (Variation ID: 642404). Algorithms developed to predict the effect of missense changes on protein structure and function output the following: SIFT: "Tolerated"; PolyPhen-2: "Not Available"; Align-GVGD: "Class C0". The threonine amino acid residue is found in multiple mammalian species, which suggests that this missense change does not adversely affect protein function. In summary, the available evidence is currently insufficient to determine the role of this variant in disease. Therefore, it has been classified as a Variant of Uncertain Significance.